The following is an entry in ClinVar:

ClinVar aggregate classification (germline): Uncertain significance (1 of 4 stars; one submission).

Submission:

Labcorp Genetics (formerly Invitae), Labcorp
Classification: Uncertain significance. Last evaluated: 2023-05-22. Review status: criteria provided, single submitter. Criteria: Invitae Variant Classification Sherloc (09022015). Collection method: clinical testing. Allele origin: germline.
Comment: Advanced modeling of protein sequence and biophysical properties (such as structural, functional, and spatial information, amino acid conservation, physicochemical variation, residue mobility, and thermodynamic stability) performed at Invitae indicates that this missense variant is expected to disrupt NOTCH3 protein function. This variant is also known as c.G2935T. This missense change has been observed in individual(s) with cerebral autosomal dominant arteriopathy with subcortical infarcts and leukoencephalopathy (CADASIL) (PMID: 12395806). This variant is not present in population databases (gnomAD no frequency). This sequence change replaces glycine, which is neutral and non-polar, with cysteine, which is neutral and slightly polar, at codon 953 of the NOTCH3 protein (p.Gly953Cys). Algorithms developed to predict the effect of sequence changes on RNA splicing suggest that this variant may create or strengthen a splice site. In summary, the available evidence is currently insufficient to determine the role of this variant in disease. Therefore, it has been classified as a Variant of Uncertain Significance.

Literature cited by the submitters: PubMed 12395806.

NM_000435.3(NOTCH3):c.2857G>T (p.Gly953Cys)

Gene: NOTCH3 (notch receptor 3; minus strand). Cytogenetic location: 19p13.12.
Variant type: single nucleotide variant.
Coding change: c.2857G>T on transcript NM_000435.3 (MANE Select); coding-DNA position 2857, G replaced by T.
Protein change: p.Gly953Cys; replaces glycine 953 with cysteine.
Molecular consequence: missense variant.
Genome position (GRCh38, 1-based): chr19:15,181,098, C>A on the plus strand (G>T on the coding strand, the complement: NOTCH3 is on the minus strand). VCF-style: chr19-15181098-C-A. GRCh37 (hg19) VCF-style: chr19-15291909-C-A.
Other names: short protein forms G953C.
Identifiers: ClinVar variation 2736829 (VCV002736829.3), dbSNP rs2512646403, ClinGen allele CA404514989.